The following is an entry in ClinVar:

ClinVar aggregate classification (germline): Uncertain significance (1 of 4 stars; one submission).

Allele frequency attached by ClinVar (database versions not stated): gnomAD 0.00004 and 0.00003; TOPMed 0.00004.

Submission:

Labcorp Genetics (formerly Invitae), Labcorp
Classification: Uncertain significance. Last evaluated: 2020-08-11. Review status: criteria provided, single submitter. Criteria: Invitae Variant Classification Sherloc (09022015). Collection method: clinical testing. Allele origin: germline.
Comment: In summary, the available evidence is currently insufficient to determine the role of this variant in disease. Therefore, it has been classified as a Variant of Uncertain Significance. Algorithms developed to predict the effect of missense changes on protein structure and function (SIFT, PolyPhen-2, Align-GVGD) all suggest that this variant is likely to be tolerated, but these predictions have not been confirmed by published functional studies and their clinical significance is uncertain. This variant has not been reported in the literature in individuals with CHRM2-related conditions. This variant is present in population databases (rs774760812, ExAC 0.01%). This sequence change replaces arginine with glutamine at codon 211 of the CHRM2 protein (p.Arg211Gln). The arginine residue is moderately conserved and there is a small physicochemical difference between arginine and glutamine.

NM_001006630.2(CHRM2):c.632G>A (p.Arg211Gln)

Genes: CHRM2 (cholinergic receptor muscarinic 2; plus strand), LOC349160 (uncharacterized LOC349160; minus strand). Cytogenetic location: 7q33.
Variant type: single nucleotide variant.
Coding change: c.632G>A on transcript NM_001006630.2 (MANE Select); coding-DNA position 632, G replaced by A.
Protein change: p.Arg211Gln; replaces arginine 211 with glutamine.
Molecular consequence: missense variant.
Genome position (GRCh38, 1-based): chr7:137,015,497, G>A. VCF-style: chr7-137015497-G-A. GRCh37 (hg19) VCF-style: chr7-136700244-G-A.
Other names: c.632G>A, p.Arg211Gln (NM_000739.3, NM_001006626.3, NM_001006627.3 and 6 more transcripts); short protein forms R211Q.
Identifiers: ClinVar variation 1040793 (VCV001040793.8), dbSNP rs774760812, ClinGen allele CA4500552.